The following is an entry in ClinVar:

NM_003036.4(SKI):c.265C>T (p.Pro89Ser)

Gene: SKI (SKI proto-oncogene; plus strand). Cytogenetic location: 1p36.33.
Variant type: single nucleotide variant.
Coding change: c.265C>T on transcript NM_003036.4 (MANE Select); coding-DNA position 265, C replaced by T.
Protein change: p.Pro89Ser; replaces proline 89 with serine.
Molecular consequence: missense variant.
Genome position (GRCh38, 1-based): chr1:2,229,031, C>T. VCF-style: chr1-2229031-C-T. GRCh37 (hg19) VCF-style: chr1-2160470-C-T.
Other names: short protein forms P89S.
Identifiers: ClinVar variation 944376 (VCV000944376.8), dbSNP rs1638569809, ClinGen allele CA337952423.
Genomic context (GRCh38, chr1:2,229,031, plus strand): 5'-GAGCCGCCGCCCGTGCTGCACCTGCCCGCCATCCAGCCGCCGCCGCCCGTGCTGCCCGGG[C>T]CCTTCTTCATGCCGTCCGACCGCTCCACCGAGCGCTGCGAGACCGTACTGGAAGGCGAGA-3'
Protein context (NP_003027.1, residues 79-99): IQPPPPVLPG[Pro89Ser]FFMPSDRSTE

ClinVar aggregate classification (germline): Pathogenic. Review status: criteria provided, multiple submitters, no conflicts (2 of 4 stars). 2 submissions from 2 submitters: Pathogenic (2). Last evaluated 2026-07-21.

Conditions:
Shprintzen-Goldberg syndrome (SGS). Also called: CRANIOSYNOSTOSIS WITH ARACHNODACTYLY AND ABDOMINAL HERNIAS; Marfanoid disorder with craniosynostosis type 1; Marfanoid craniosynostosis syndrome; Shprintzen-Goldberg marfanoid syndrome; SHPRINTZEN-GOLDBERG CRANIOSYNOSTOSIS SYNDROME. Identifiers: Orphanet 2462, MedGen C1321551, MONDO:0008426, OMIM 182212.

Submissions (2):

Institute of Medical Genetics, University of Zurich
Classification: Pathogenic for Shprintzen-Goldberg syndrome. Last evaluated: 2026-07-21. Review status: criteria provided, single submitter. Criteria: ACMG Guidelines, 2015. Collection method: clinical testing. Allele origin: de novo. Inheritance: Autosomal dominant inheritance. Affected: yes. Observed: 1 variant allele.
Comment: The missense variant c.265C>T (p.(Pro89Ser)) in the SKI gene (NM_003036.4) affects a highly conserved amino acid residue, and multiple in silico prediction tools support a deleterious effect on protein function. Heterozygous pathogenic variants in the SKI gene are an established cause of autosomal dominant Shprintzen-Goldberg syndrome (SGS; OMIM #182212). The variant is absent from population databases (gnomAD v4.1.1) and has previously been reported previously in ClinVar (Variation ID 944376; VCV000944376). Available case-level data in the Clinvar record describe affected individuals with clinical features consistent with Shprintzen-Goldberg syndrome. In at least one reported individual, the variant occurred de novo, and segregation with disease was observed in other affected family members. We reviewed and evaluated the available information from this ClinVar record together with the evidence obtained for the present case. Segregation analysis demonstrated absence of the variant in both parents, suggesting a de novo occurrence (parentage confirmed). Taken together, these findings support classification as pathogenic (ACMG: PS2_Very Strong, PM2, PP1, PP3, PP4).

Labcorp Genetics (formerly Invitae), Labcorp
Classification: Pathogenic for Shprintzen-Goldberg syndrome. Last evaluated: 2021-10-11. Review status: criteria provided, single submitter. Criteria: Invitae Variant Classification Sherloc (09022015). Collection method: clinical testing. Allele origin: germline.
Comment: This variant is not present in population databases (ExAC no frequency). For these reasons, this variant has been classified as Pathogenic. Advanced modeling of protein sequence and biophysical properties (such as structural, functional, and spatial information, amino acid conservation, physicochemical variation, residue mobility, and thermodynamic stability) performed at Invitae indicates that this missense variant is expected to disrupt SKI protein function. ClinVar contains an entry for this variant (Variation ID: 944376). This missense change has been observed in individual(s) with clinical features of Shprintzen-Goldberg syndrome (Invitae). In at least one individual the variant was observed to be de novo. It has also been observed to segregate with disease in related individuals. This sequence change replaces proline with serine at codon 89 of the SKI protein (p.Pro89Ser). The proline residue is highly conserved and there is a moderate physicochemical difference between proline and serine.